The following is an entry in ClinVar:

ClinVar aggregate classification (germline): Uncertain significance (1 of 4 stars; one submission).

Conditions:
Familial cancer of breast. Also called: hereditary breast carcinoma; BREAST CANCER, FAMILIAL; Hereditary breast cancer. Identifiers: Orphanet 227535, MedGen C0346153, MONDO:0016419, OMIM 114480. Disease mechanism: loss of function.

Submission:

Labcorp Genetics (formerly Invitae), Labcorp
Classification: Uncertain significance for Familial cancer of breast. Last evaluated: 2023-03-07. Review status: criteria provided, single submitter. Criteria: Invitae Variant Classification Sherloc (09022015). Collection method: clinical testing. Allele origin: germline.
Comment: In summary, the available evidence is currently insufficient to determine the role of this variant in disease. Therefore, it has been classified as a Variant of Uncertain Significance. Advanced modeling of protein sequence and biophysical properties (such as structural, functional, and spatial information, amino acid conservation, physicochemical variation, residue mobility, and thermodynamic stability) performed at Invitae indicates that this missense variant is expected to disrupt PALB2 protein function. This variant has not been reported in the literature in individuals affected with PALB2-related conditions. This variant is not present in population databases (gnomAD no frequency). This sequence change replaces cysteine, which is neutral and slightly polar, with serine, which is neutral and polar, at codon 933 of the PALB2 protein (p.Cys933Ser).

NM_024675.4(PALB2):c.2797T>A (p.Cys933Ser)

Gene: PALB2 (partner and localizer of BRCA2; minus strand). Cytogenetic location: 16p12.2.
Variant type: single nucleotide variant.
Coding change: c.2797T>A on transcript NM_024675.4 (MANE Select); coding-DNA position 2797, T replaced by A.
Protein change: p.Cys933Ser; replaces cysteine 933 with serine.
Molecular consequence: missense variant.
Genome position (GRCh38, 1-based): chr16:23,624,046, A>T on the plus strand (T>A on the coding strand, the complement: PALB2 is on the minus strand). VCF-style: chr16-23624046-A-T. GRCh37 (hg19) VCF-style: chr16-23635367-A-T.
Other names: c.2737T>A, p.Cys913Ser (NM_001407296.1); c.2725T>A, p.Cys909Ser (NM_001407297.1); c.2635T>A, p.Cys879Ser (NM_001407298.1, NM_001407302.1); c.2797T>A, p.Cys933Ser (NM_001407299.1, NM_001407300.1, NM_001407301.1); c.1912T>A, p.Cys638Ser (NM_001407304.1, NM_001407305.1, NM_001407306.1 and 4 more transcripts); c.1750T>A, p.Cys584Ser (NM_001407307.1); c.1009T>A, p.Cys337Ser (NM_001407312.1, NM_001407313.1); c.331T>A, p.Cys111Ser (NM_001407314.1); short protein forms C111S, C909S, C933S, C638S, C879S, C337S, C584S, C913S.
Identifiers: ClinVar variation 2843435 (VCV002843435.3), dbSNP rs1295650692, ClinGen allele CA395145014.